The following is an entry in ClinVar:

ClinVar aggregate classification (germline): Likely benign. Review status: criteria provided, multiple submitters, no conflicts (2 of 4 stars). 2 submissions from 2 submitters: Likely benign (2). Last evaluated 2023-05-30.

Conditions:
LAMA2-related muscular dystrophy (LAMA2-RD). Also called: Laminin alpha 2-related dystrophy. Identifiers: MedGen C5679788, MONDO:0100228.

Submissions (2):

Labcorp Genetics (formerly Invitae), Labcorp
Classification: Likely benign for LAMA2-related muscular dystrophy. Last evaluated: 2023-05-30. Review status: criteria provided, single submitter. Criteria: Invitae Variant Classification Sherloc (09022015). Collection method: clinical testing. Allele origin: germline.

CeGaT Center for Human Genetics Tuebingen
Classification: Likely benign. Last evaluated: 2022-07-01. Review status: criteria provided, single submitter. Criteria: CeGaT Center For Human Genetics Tuebingen Variant Classification Criteria Version 2. Collection method: clinical testing. Allele origin: germline. Affected: yes. Observed: 1 variant allele.
Comment: LAMA2: PM2:Supporting, BP4, BP7

NM_000426.4(LAMA2):c.6531T>C (p.Ala2177=)

Gene: LAMA2 (laminin subunit alpha 2; plus strand). Cytogenetic location: 6q22.33.
Variant type: single nucleotide variant.
Coding change: c.6531T>C on transcript NM_000426.4 (MANE Select); coding-DNA position 6531, T replaced by C.
Protein change: p.Ala2177=; no amino-acid change (alanine 2177 retained).
Molecular consequence: synonymous variant.
Genome position (GRCh38, 1-based): chr6:129,453,089, T>C. VCF-style: chr6-129453089-T-C. GRCh37 (hg19) VCF-style: chr6-129774234-T-C.
Other names: c.6531T>C, p.Ala2177= (NM_001079823.2).
Identifiers: ClinVar variation 2145740 (VCV002145740.28), dbSNP rs1244983337, ClinGen allele CA451923303.
Genomic context (GRCh38, chr6:129,453,089, plus strand): 5'-ATACAAACCAGAAATCAAGAAAGGAAGTTACAATAATATTGTTGTCAACGTAAAGACAGC[T>C]GTTGCTGATAACCTCCTCTTTTATCTTGGAAGTGCCAAATTTGTAAGTCTAATATTCAAC-3'
Protein context (NP_000417.3, residues 2167-2187): YNNIVVNVKT[Ala2177=]VADNLLFYLG